The following is an entry in ClinVar:

NM_001903.5(CTNNA1):c.1747+4C>A

Gene: CTNNA1 (catenin alpha 1; plus strand). Cytogenetic location: 5q31.2.
Variant type: single nucleotide variant.
Coding change: c.1747+4C>A on transcript NM_001903.5 (MANE Select); 4 bases into the intron after coding-DNA position 1747, C replaced by A.
Molecular consequence: intron variant.
Genome position (GRCh38, 1-based): chr5:138,924,714, C>A. VCF-style: chr5-138924714-C-A. GRCh37 (hg19) VCF-style: chr5-138260403-C-A.
Other names: c.1747+4C>A (NM_001903.2, NM_001323982.2, NM_001323984.2 and 3 more transcripts); c.1654+4C>A (NM_001323986.2); c.1378+4C>A (NM_001290310.3); c.1438+4C>A (NM_001290309.3); c.637+4C>A (NM_001323996.1, NM_001323993.1, NM_001324005.1 and 17 more transcripts); c.298+4C>A (NM_001324007.1, NM_001324009.1, NM_001324006.1 and 2 more transcripts); c.394+4C>A (NM_001324013.1, NM_001324012.1); c.544+4C>A (NM_001324011.1).
Identifiers: ClinVar variation 2917946 (VCV002917946.5), dbSNP rs372815392, ClinGen allele CA563498244.

ClinVar aggregate classification (germline): Conflicting classifications of pathogenicity. Review status: criteria provided, conflicting classifications (1 of 4 stars). 3 submissions from 3 submitters: Uncertain significance (1); Likely benign (2). Last evaluated 2025-07-03.

Conditions:
Hereditary cancer-predisposing syndrome. Also called: Neoplastic Syndromes, Hereditary; Tumor predisposition; Hereditary neoplastic syndrome; Hereditary Cancer Syndrome. Identifiers: Orphanet 140162, MedGen C0027672, MeSH D009386, MONDO:0015356.
Hereditary diffuse gastric adenocarcinoma (HDGC). Also called: DIFFUSE GASTRIC AND LOBULAR BREAST CANCER SYNDROME. Identifiers: Orphanet 26106, MedGen C1708349, MONDO:0007648, OMIM 137215.

gnomAD v4.1: 5 of 1,560,742 alleles (0.00032%); highest among the groups gnomAD compares: Non-Finnish European, 0.00043%; no homozygotes.

Submissions (3):

Ambry Genetics
Classification: Uncertain significance for Hereditary cancer-predisposing syndrome. Last evaluated: 2025-07-03. Review status: criteria provided, single submitter. Criteria: Ambry Variant Classification Scheme 2023. Collection method: clinical testing. Allele origin: germline.
Comment: The c.1747+4C>A intronic variant results from a C to A substitution 4 nucleotides after coding exon 11 in the CTNNA1 gene. This nucleotide position is poorly conserved in available vertebrate species. In silico splice site analysis predicts that this alteration will not have any significant effect on splicing. Based on the available evidence, the clinical significance of this variant remains unclear.

Labcorp Genetics (formerly Invitae), Labcorp
Classification: Likely benign. Last evaluated: 2025-03-03. Review status: criteria provided, single submitter. Criteria: Invitae Variant Classification Sherloc (09022015). Collection method: clinical testing. Allele origin: germline.

Myriad Genetics, Inc.
Classification: Likely benign for Hereditary diffuse gastric adenocarcinoma. Last evaluated: 2024-10-14. Review status: criteria provided, single submitter. Criteria: Myriad Autosomal Dominant, Autosomal Recessive and X-Linked Classification Criteria (2023). Collection method: clinical testing. Allele origin: unknown.
Comment: This variant is considered likely benign. This variant is intronic and is not expected to impact mRNA splicing.